The following is an entry in ClinVar:

NM_004393.6(DAG1):c.751del (p.Val251fs)

Gene: DAG1 (dystroglycan 1; plus strand). Cytogenetic location: 3p21.31.
Variant type: Deletion.
Coding change: c.751del on transcript NM_004393.6 (MANE Select); coding-DNA position 751, one base deleted (G; older notation c.751delG).
Protein change: p.Val251fs; shifts the reading frame from valine 251.
Molecular consequence: frameshift variant.
Genome position (GRCh38, 1-based): chr3:49,531,262, G deleted; the last of 2 consecutive G bases (chr3:49,531,261-49,531,262); deleting either gives the same sequence. VCF-style (leftmost placement, unchanged base first): chr3-49531260-AG-A. GRCh37 (hg19) VCF-style: chr3-49568693-AG-A.
Other names: c.751del, p.Val251fs (NM_001165928.4, NM_001177634.3, NM_001177635.3 and 9 more transcripts); short protein forms V251fs.
Identifiers: ClinVar variation 665692 (VCV000665692.6), dbSNP rs1575410881, ClinGen allele CA915942954.

ClinVar aggregate classification (germline): Conflicting classifications of pathogenicity. Review status: criteria provided, conflicting classifications (1 of 4 stars). 2 submissions from 2 submitters: Likely pathogenic (1); Uncertain significance (1). Last evaluated 2023-05-31.

Conditions:
Muscular dystrophy-dystroglycanopathy (congenital with brain and eye anomalies), type A9. Also called: WALKER-WARBURG SYNDROME OR MUSCLE-EYE BRAIN DISEASE, DAG1-RELATED; Muscular dystrophy-dystroglycanopathy (congenital with brain and eye anomalies), type a, 9. Identifiers: Orphanet 370997, Orphanet 899, MedGen C4225291, MONDO:0014683, OMIM 616538.
Autosomal recessive limb-girdle muscular dystrophy type 2P. Also called: MUSCULAR DYSTROPHY, LIMB-GIRDLE, TYPE 2P; Limb-Girdle Muscular Dystrophy Type 9C; MUSCULAR DYSTROPHY-DYSTROGLYCANOPATHY, LIMB-GIRDLE, DAG1-RELATED. Identifiers: Orphanet 280333, MedGen C4511963, MONDO:0013440, OMIM 613818.

Submissions (2):

Baylor Genetics
Classification: Likely pathogenic for Autosomal recessive limb-girdle muscular dystrophy type 2P. Last evaluated: 2023-05-31. Review status: criteria provided, single submitter. Criteria: ACMG Guidelines, 2015. Collection method: clinical testing. Allele origin: unknown.

Labcorp Genetics (formerly Invitae), Labcorp
Classification: Uncertain significance for Autosomal recessive limb-girdle muscular dystrophy type 2P; Muscular dystrophy-dystroglycanopathy (congenital with brain and eye anomalies), type A9. Last evaluated: 2020-11-30. Review status: criteria provided, single submitter. Criteria: Invitae Variant Classification Sherloc (09022015). Collection method: clinical testing. Allele origin: germline.
Comment: In summary, the available evidence is currently insufficient to determine the role of this variant in disease. Therefore, it has been classified as a Variant of Uncertain Significance. This variant disrupts a region of the protein in which other variant(s) (p.Cys669Phe) have been observed in individuals with DAG1-related conditions (PMID: 24052401). This suggests that this may be a clinically significant region of the DAG1 protein. Experimental studies and prediction algorithms are not available for this variant, and the functional significance of the affected amino acid(s) is currently unknown. This variant has not been reported in the literature in individuals with DAG1-related conditions. This variant is not present in population databases (ExAC no frequency). This sequence change results in a premature translational stop signal in the DAG1 gene (p.Val251Trpfs*16). While this is not anticipated to result in nonsense mediated decay, it is expected to disrupt the last 227 amino acids of the DAG1 protein.

Literature cited by the submitters: PubMed 24052401 (cited by Labcorp Genetics (formerly Invitae), Labcorp).